The following is an entry in ClinVar:

NM_020719.3(PRR12):c.633C>T (p.Gly211=)

Gene: PRR12 (proline rich 12; plus strand). Cytogenetic location: 19q13.33.
Variant type: single nucleotide variant.
Coding change: c.633C>T on transcript NM_020719.3 (MANE Select); coding-DNA position 633, C replaced by T.
Protein change: p.Gly211=; no amino-acid change (glycine 211 retained).
Molecular consequence: synonymous variant.
Genome position (GRCh38, 1-based): chr19:49,594,968, C>T. VCF-style: chr19-49594968-C-T. GRCh37 (hg19) VCF-style: chr19-50098225-C-T.
Other names: c.633C>T (NM_020719.2).
Identifiers: ClinVar variation 2650252 (VCV002650252.25), dbSNP rs776120601, ClinGen allele CA9577697.

ClinVar aggregate classification (germline): Likely benign. Review status: criteria provided, single submitter (1 of 4 stars). 2 submissions from 2 submitters: Likely benign (1). 1 of the submissions does not count toward it. Last evaluated 2022-06-01.

Conditions:
PRR12-related disorder. Also called: PRR12-related condition.

Allele frequency attached by ClinVar (database versions not stated): gnomAD exomes 0.00003; TOPMed 0.00003; ExAC 0.00004; gnomAD 0.00004.
gnomAD v4.1: 57 of 1,599,282 alleles (0.0036%); highest among the groups gnomAD compares: Middle Eastern, 0.017%; no homozygotes.

Submissions (2):

CeGaT Center for Human Genetics Tuebingen
Classification: Likely benign. Last evaluated: 2022-06-01. Review status: criteria provided, single submitter. Criteria: CeGaT Center For Human Genetics Tuebingen Variant Classification Criteria Version 2. Collection method: clinical testing. Allele origin: germline. Affected: yes. Observed: 1 variant allele.
Comment: PRR12: BP4, BP7

PreventionGenetics, part of Exact Sciences
Classification: Likely benign for PRR12-related condition. Last evaluated: 2019-05-02. Review status: no assertion criteria provided. Collection method: clinical testing. Allele origin: germline. Not counted in ClinVar's aggregate classification.
Comment: This variant is classified as likely benign based on ACMG/AMP sequence variant interpretation guidelines (Richards et al. 2015 PMID: 25741868, with internal and published modifications).